The following is an entry in ClinVar:

ClinVar aggregate classification (germline): Uncertain significance (1 of 4 stars; one submission).

Submission:

Labcorp Genetics (formerly Invitae), Labcorp
Classification: Uncertain significance. Last evaluated: 2025-07-14. Review status: criteria provided, single submitter. Criteria: Invitae Variant Classification Sherloc (09022015). Collection method: clinical testing. Allele origin: germline.
Comment: This sequence change replaces glycine, which is neutral and non-polar, with arginine, which is basic and polar, at codon 7 of the GTF2H5 protein (p.Gly7Arg). This variant is present in population databases (rs538570243, gnomAD 0.007%). This variant has not been reported in the literature in individuals affected with GTF2H5-related conditions. An algorithm developed to predict the effect of missense changes on protein structure and function (PolyPhen-2) suggests that this variant is likely to be tolerated. In summary, the available evidence is currently insufficient to determine the role of this variant in disease. Therefore, it has been classified as a Variant of Uncertain Significance.

NM_207118.3(GTF2H5):c.19G>A (p.Gly7Arg)

Gene: GTF2H5 (general transcription factor IIH subunit 5; plus strand). Cytogenetic location: 6q25.3.
Variant type: single nucleotide variant.
Coding change: c.19G>A on transcript NM_207118.3 (MANE Select); coding-DNA position 19, G replaced by A.
Protein change: p.Gly7Arg; replaces glycine 7 with arginine.
Molecular consequence: missense variant.
Genome position (GRCh38, 1-based): chr6:158,170,522, G>A. VCF-style: chr6-158170522-G-A. GRCh37 (hg19) VCF-style: chr6-158591554-G-A.
Other names: short protein forms G7R.
Identifiers: ClinVar variation 4702278 (VCV004702278.1).
Genomic context (GRCh38, chr6:158,170,522, plus strand): 5'-TTTATTAGCATTCTTCAGGTCATCTGAACCTTCTGAGAAAACATGGTCAACGTCTTGAAA[G>A]GAGTGCTTATAGAATGGTTAGTAGTTTTGATACTGCATGAGTTTTAAGTTTAAATATTGA-3'
Protein context (NP_997001.1, residues 1-17): MVNVLK[Gly7Arg]VLIECDPAMK